The following is an entry in ClinVar:

NM_001194998.2(CEP152):c.186C>T (p.Asp62=)

Gene: CEP152 (centrosomal protein 152; minus strand). Cytogenetic location: 15q21.1.
Variant type: single nucleotide variant.
Coding change: c.186C>T on transcript NM_001194998.2 (MANE Select); coding-DNA position 186, C replaced by T.
Protein change: p.Asp62=; no amino-acid change (aspartic acid 62 retained).
Molecular consequence: synonymous variant.
Genome position (GRCh38, 1-based): chr15:48,797,953, G>A on the plus strand (C>T on the coding strand, the complement: CEP152 is on the minus strand). VCF-style: chr15-48797953-G-A. GRCh37 (hg19) VCF-style: chr15-49090150-G-A.
Other names: c.186C>T, p.Asp62= (NM_014985.4).
Identifiers: ClinVar variation 210685 (VCV000210685.38), dbSNP rs548567364, ClinGen allele CA208803.

ClinVar aggregate classification (germline): Conflicting classifications of pathogenicity. Review status: criteria provided, conflicting classifications (1 of 4 stars). 3 submissions from 3 submitters: Uncertain significance (1); Likely benign (2). Last evaluated 2025-11-22.

Allele frequency attached by ClinVar (database versions not stated): TOPMed 0.00036; ExAC 0.00008; gnomAD exomes 0.00008 and 0.00013; gnomAD 0.00015 and 0.00016; 1000 Genomes Project 30x 0.00016; 1000 Genomes Project 0.00020.
gnomAD v4.1: 210 of 1,613,378 alleles (0.013%); highest among the groups gnomAD compares: Middle Eastern, 0.05%; no homozygotes.

Submissions (3):

Labcorp Genetics (formerly Invitae), Labcorp
Classification: Likely benign. Last evaluated: 2025-11-22. Review status: criteria provided, single submitter. Criteria: Invitae Variant Classification Sherloc (09022015). Collection method: clinical testing. Allele origin: germline.

CeGaT Center for Human Genetics Tuebingen
Classification: Likely benign. Last evaluated: 2022-08-01. Review status: criteria provided, single submitter. Criteria: CeGaT Center For Human Genetics Tuebingen Variant Classification Criteria Version 2. Collection method: clinical testing. Allele origin: germline. Affected: yes. Observed: 1 variant allele.
Comment: CEP152: BP4, BP7

Genetic Services Laboratory, University of Chicago
Classification: Uncertain significance. Last evaluated: 2014-09-18. Review status: criteria provided, single submitter. Criteria: ACMG Guidelines, 2015. Collection method: clinical testing. Allele origin: germline.